The following is an entry in ClinVar:

ClinVar aggregate classification (germline): Uncertain significance (1 of 4 stars; one submission).

gnomAD v4.1: 21 of 1,610,572 alleles (0.0013%); highest among the groups gnomAD compares: Non-Finnish European, 0.0017%; no homozygotes.

Submission:

Ambry Genetics
Classification: Uncertain significance. Last evaluated: 2024-12-06. Review status: criteria provided, single submitter. Criteria: Ambry Variant Classification Scheme 2023. Collection method: clinical testing. Allele origin: germline.
Comment: The p.C27R variant (also known as c.79T>C), located in coding exon 1 of the RAD51B gene, results from a T to C substitution at nucleotide position 79. The cysteine at codon 27 is replaced by arginine, an amino acid with highly dissimilar properties. This amino acid position is conserved. In addition, this alteration is predicted to be deleterious by in silico analysis. Based on the available evidence, the clinical significance of this variant remains unclear.

NM_133510.4(RAD51B):c.79T>C (p.Cys27Arg)

Gene: RAD51B (RAD51 paralog B; plus strand). Cytogenetic location: 14q24.1.
Variant type: single nucleotide variant.
Coding change: c.79T>C on transcript NM_133510.4 (MANE Select); coding-DNA position 79, T replaced by C.
Protein change: p.Cys27Arg; replaces cysteine 27 with arginine.
Molecular consequence: missense variant. On other transcripts: 5 prime UTR variant (2).
Genome position (GRCh38, 1-based): chr14:67,823,622, T>C. VCF-style: chr14-67823622-T-C. GRCh37 (hg19) VCF-style: chr14-68290339-T-C.
Other names: c.79T>C, p.Cys27Arg (NM_001321809.2, NM_001321810.2, NM_001321812.1 and 6 more transcripts); c.-36T>C (NM_001321815.1); c.-377T>C (NM_001321817.2); short protein forms C27R.
Identifiers: ClinVar variation 3429671 (VCV003429671.1).